The following is an entry in ClinVar:

ClinVar aggregate classification (germline): Uncertain significance. Review status: criteria provided, multiple submitters, no conflicts (2 of 4 stars). 3 submissions from 3 submitters: Uncertain significance (3). Last evaluated 2025-09-21.

Conditions:
Inborn genetic diseases. Identifiers: MedGen C0950123, MeSH D030342.
Spastic paraplegia. Identifiers: MedGen C0037772, HP:0001258.

Allele frequency attached by ClinVar (database versions not stated): ExAC 0.00003; gnomAD 0.00001; TOPMed 0.00003; gnomAD exomes 0.00004.
gnomAD v4.1: 61 of 1,614,056 alleles (0.0038%); highest among the groups gnomAD compares: Admixed American, 0.015%; no homozygotes.

Submissions (3):

Ambry Genetics
Classification: Uncertain significance for Inborn genetic diseases. Last evaluated: 2025-09-21. Review status: criteria provided, single submitter. Criteria: Ambry Variant Classification Scheme 2023. Collection method: clinical testing. Allele origin: germline.

Athena Diagnostics
Classification: Uncertain significance. Last evaluated: 2023-03-23. Review status: criteria provided, single submitter. Criteria: Athena Diagnostics Criteria. Collection method: clinical testing. Allele origin: unknown.
Comment: Available data are insufficient to determine the clinical significance of the variant at this time. The frequency of this variant in the general population is uninformative in assessment of its pathogenicity. Computational tools disagree on the variant's effect on normal protein function.

Labcorp Genetics (formerly Invitae), Labcorp
Classification: Uncertain significance for Spastic paraplegia. Last evaluated: 2022-07-05. Review status: criteria provided, single submitter. Criteria: Invitae Variant Classification Sherloc (09022015). Collection method: clinical testing. Allele origin: germline.
Comment: This sequence change replaces arginine, which is basic and polar, with glutamine, which is neutral and polar, at codon 1058 of the ZFYVE26 protein (p.Arg1058Gln). This variant is present in population databases (rs758756745, gnomAD 0.02%). This variant has not been reported in the literature in individuals affected with ZFYVE26-related conditions. Algorithms developed to predict the effect of missense changes on protein structure and function are either unavailable or do not agree on the potential impact of this missense change (SIFT: "Tolerated"; PolyPhen-2: "Possibly Damaging"; Align-GVGD: "Class C0"). In summary, the available evidence is currently insufficient to determine the role of this variant in disease. Therefore, it has been classified as a Variant of Uncertain Significance.

NM_015346.4(ZFYVE26):c.3173G>A (p.Arg1058Gln)

Gene: ZFYVE26 (zinc finger FYVE-type containing 26; minus strand). Cytogenetic location: 14q24.1.
Variant type: single nucleotide variant.
Coding change: c.3173G>A on transcript NM_015346.4 (MANE Select); coding-DNA position 3173, G replaced by A.
Protein change: p.Arg1058Gln; replaces arginine 1058 with glutamine.
Molecular consequence: missense variant.
Genome position (GRCh38, 1-based): chr14:67,785,989, C>T on the plus strand (G>A on the coding strand, the complement: ZFYVE26 is on the minus strand). VCF-style: chr14-67785989-C-T. GRCh37 (hg19) VCF-style: chr14-68252706-C-T.
Other names: c.3173G>A (NM_015346.3); short protein forms R1058Q.
Identifiers: ClinVar variation 2186916 (VCV002186916.3), dbSNP rs758756745, ClinGen allele CA7240058.